The following is an entry in ClinVar:

NM_003482.4(KMT2D):c.13019A>G (p.His4340Arg)

Gene: KMT2D (lysine methyltransferase 2D; minus strand). Cytogenetic location: 12q13.12.
Variant type: single nucleotide variant.
Coding change: c.13019A>G on transcript NM_003482.4 (MANE Select); coding-DNA position 13019, A replaced by G.
Protein change: p.His4340Arg; replaces histidine 4340 with arginine.
Molecular consequence: missense variant.
Genome position (GRCh38, 1-based): chr12:49,031,686, T>C on the plus strand (A>G on the coding strand, the complement: KMT2D is on the minus strand). VCF-style: chr12-49031686-T-C. GRCh37 (hg19) VCF-style: chr12-49425469-T-C.
Other names: short protein forms H4340R.
Identifiers: ClinVar variation 4809617 (VCV004809617.1).

ClinVar aggregate classification (germline): Uncertain significance (1 of 4 stars; one submission).

Conditions:
Kabuki syndrome. Also called: NIIKAWA-KUROKI SYNDROME; Kabuki make-up syndrome. Identifiers: Orphanet 2322, MedGen C0796004, MONDO:0016512.

Submission:

Labcorp Genetics (formerly Invitae), Labcorp
Classification: Uncertain significance for Kabuki syndrome. Last evaluated: 2025-02-23. Review status: criteria provided, single submitter. Criteria: Invitae Variant Classification Sherloc (09022015). Collection method: clinical testing. Allele origin: germline.
Comment: This sequence change replaces histidine, which is basic and polar, with arginine, which is basic and polar, at codon 4340 of the KMT2D protein (p.His4340Arg). This variant is not present in population databases (gnomAD no frequency). This variant has not been reported in the literature in individuals affected with KMT2D-related conditions. Invitae Evidence Modeling of protein sequence and biophysical properties (such as structural, functional, and spatial information, amino acid conservation, physicochemical variation, residue mobility, and thermodynamic stability) indicates that this missense variant is not expected to disrupt KMT2D protein function with a negative predictive value of 95%. In summary, the available evidence is currently insufficient to determine the role of this variant in disease. Therefore, it has been classified as a Variant of Uncertain Significance.